The following is an entry in ClinVar:

NM_004727.3(SLC24A1):c.-182T>C

Gene: SLC24A1 (solute carrier family 24 member 1; plus strand). Cytogenetic location: 15q22.31.
Variant type: single nucleotide variant.
Coding change: c.-182T>C on transcript NM_004727.3 (MANE Select); 182 bases upstream of the start codon, T replaced by C.
Molecular consequence: 5 prime UTR variant. On other transcripts: intron variant (1).
Genome position (GRCh38, 1-based): chr15:65,622,037, T>C. VCF-style: chr15-65622037-T-C. GRCh37 (hg19) VCF-style: chr15-65914375-T-C.
Other names: c.-126-1918T>C (NM_001301033.2).
Identifiers: ClinVar variation 316780 (VCV000316780.5), dbSNP rs190488986, ClinGen allele CA10647274.

ClinVar aggregate classification (germline): Benign (1 of 4 stars; one submission).

Conditions:
Congenital stationary night blindness 1D. Also called: Night blindness, congenital stationary (complete), 1D, autosomal recessive. Identifiers: Orphanet 215, MedGen C3151193, MONDO:0013450, OMIM 613830.

Allele frequency attached by ClinVar (database versions not stated): gnomAD 0.00110 and 0.00177; TOPMed 0.00132; 1000 Genomes Project 30x 0.00406; 1000 Genomes Project 0.00519.

Submission:

Illumina Laboratory Services, Illumina
Classification: Benign for Congenital stationary night blindness 1D. Last evaluated: 2018-01-13. Review status: criteria provided, single submitter. Criteria: ICSL Variant Classification Criteria 13 December 2019. Collection method: clinical testing. Allele origin: germline.
Comment: This variant was observed in the ICSL laboratory as part of a predisposition screen in an ostensibly healthy population. It had not been previously curated by ICSL or reported in the Human Gene Mutation Database (HGMD: prior to June 1st, 2018), and was therefore a candidate for classification through an automated scoring system. Utilizing variant allele frequency, disease prevalence and penetrance estimates, and inheritance mode, an automated score was calculated to assess if this variant is too frequent to cause the disease. Based on the score and internal cut-off values, a variant classified as benign is not then subjected to further curation. The score for this variant resulted in a classification of benign for this disease.